The following is an entry in ClinVar:

ClinVar aggregate classification (germline): Conflicting classifications of pathogenicity. Review status: criteria provided, conflicting classifications (1 of 4 stars). 2 submissions from 2 submitters: Uncertain significance (1); Likely benign (1). Last evaluated 2026-02-23.

Conditions:
ZCCHC8-related disorder. Also called: ZCCHC8-related condition.

Allele frequency attached by ClinVar (database versions not stated): gnomAD exomes 0.00002 and 0.00006; TOPMed 0.00003; gnomAD 0.00004; ExAC 0.00005.
gnomAD v4.1: 82 of 1,512,780 alleles (0.0054%); highest among the groups gnomAD compares: Non-Finnish European, 0.0068%; no homozygotes.

Submissions (2):

PreventionGenetics, part of Exact Sciences
Classification: Likely benign for ZCCHC8-related condition. Last evaluated: 2026-02-23. Review status: criteria provided, single submitter. Criteria: ACMG Guidelines, 2015. Collection method: clinical testing. Allele origin: germline.
Comment: This variant is classified as likely benign based on ACMG/AMP sequence variant interpretation guidelines (Richards et al. 2015 PMID: 25741868, with internal and published modifications).

Labcorp Genetics (formerly Invitae), Labcorp
Classification: Uncertain significance. Last evaluated: 2025-02-03. Review status: criteria provided, single submitter. Criteria: Invitae Variant Classification Sherloc (09022015). Collection method: clinical testing. Allele origin: germline.
Comment: This sequence change replaces valine, which is neutral and non-polar, with isoleucine, which is neutral and non-polar, at codon 483 of the ZCCHC8 protein (p.Val483Ile). The frequency data for this variant in the population databases is considered unreliable, as metrics indicate poor data quality at this position in the gnomAD database. This variant has not been reported in the literature in individuals affected with ZCCHC8-related conditions. ClinVar contains an entry for this variant (Variation ID: 1471663). Invitae Evidence Modeling of protein sequence and biophysical properties (such as structural, functional, and spatial information, amino acid conservation, physicochemical variation, residue mobility, and thermodynamic stability) indicates that this missense variant is not expected to disrupt ZCCHC8 protein function with a negative predictive value of 80%. In summary, the available evidence is currently insufficient to determine the role of this variant in disease. Therefore, it has been classified as a Variant of Uncertain Significance.

NM_017612.5(ZCCHC8):c.1447G>A (p.Val483Ile)

Gene: ZCCHC8 (zinc finger CCHC-type containing 8; minus strand). Cytogenetic location: 12q24.31.
Variant type: single nucleotide variant.
Coding change: c.1447G>A on transcript NM_017612.5 (MANE Select); coding-DNA position 1447, G replaced by A.
Protein change: p.Val483Ile; replaces valine 483 with isoleucine.
Molecular consequence: missense variant.
Genome position (GRCh38, 1-based): chr12:122,474,174, C>T on the plus strand (G>A on the coding strand, the complement: ZCCHC8 is on the minus strand). VCF-style: chr12-122474174-C-T. GRCh37 (hg19) VCF-style: chr12-122958721-C-T.
Other names: c.1216G>A, p.Val406Ile (NM_001350935.2); c.1150G>A, p.Val384Ile (NM_001350936.2); c.733G>A, p.Val245Ile (NM_001350937.2, NM_001350938.2); c.1447G>A (NM_017612.4); short protein forms V384I, V406I, V483I, V245I.
Identifiers: ClinVar variation 1471663 (VCV001471663.9), dbSNP rs771434537, ClinGen allele CA6846168.